The following is an entry in ClinVar:

NM_001374736.1(DST):c.2539A>G (p.Ser847Gly)

Gene: DST (dystonin; minus strand). Cytogenetic location: 6p12.1.
Variant type: single nucleotide variant.
Coding change: c.2539A>G on transcript NM_001374736.1 (MANE Select); coding-DNA position 2539, A replaced by G.
Protein change: p.Ser847Gly; replaces serine 847 with glycine.
Molecular consequence: missense variant.
Genome position (GRCh38, 1-based): chr6:56,640,009, T>C on the plus strand (A>G on the coding strand, the complement: DST is on the minus strand). VCF-style: chr6-56640009-T-C. GRCh37 (hg19) VCF-style: chr6-56504807-T-C.
Other names: c.2440A>G, p.Ser814Gly (NM_001144769.5); c.2026A>G, p.Ser676Gly (NM_001144770.2); c.2539A>G, p.Ser847Gly (NM_001374722.1); c.1906A>G, p.Ser636Gly (NM_001374729.1, NM_001374730.1, NM_001386100.1 and 1 more transcripts); c.2566A>G, p.Ser856Gly (NM_001374734.1); c.928A>G, p.Ser310Gly (NM_001723.7, NM_015548.5); short protein forms S310G, S636G, S676G, S814G, S847G, S856G.
Identifiers: ClinVar variation 1056246 (VCV001056246.9), dbSNP rs2152776981, ClinGen allele CA364578091.

ClinVar aggregate classification (germline): Uncertain significance (1 of 4 stars; one submission).

Conditions:
Epidermolysis bullosa simplex 3, localized or generalized intermediate, with BP230 deficiency (EBS3). Also called: Epidermolysis bullosa simplex due to BP230 deficiency; Epidermolysis bullosa simplex, autosomal recessive 2. Identifiers: Orphanet 412181, MedGen C3809470, MONDO:0014180, OMIM 615425.
Hereditary sensory and autonomic neuropathy type 6. Also called: HSAN VI; Neuropathy, hereditary sensory and autonomic, type VI. Identifiers: Orphanet 314381, MedGen C3539003, MONDO:0013839, OMIM 614653.

Submission:

Labcorp Genetics (formerly Invitae), Labcorp
Classification: Uncertain significance for Epidermolysis bullosa simplex 3, localized or generalized intermediate, with BP230 deficiency; Hereditary sensory and autonomic neuropathy type 6. Last evaluated: 2018-02-15. Review status: criteria provided, single submitter. Criteria: Invitae Variant Classification Sherloc (09022015). Collection method: clinical testing. Allele origin: germline.
Comment: This sequence change replaces serine with glycine at codon 310 of the DST protein (p.Ser310Gly). The serine residue is highly conserved and there is a small physicochemical difference between serine and glycine. In summary, the available evidence is currently insufficient to determine the role of this variant in disease. Therefore, it has been classified as a Variant of Uncertain Significance. Algorithms developed to predict the effect of missense changes on protein structure and function do not agree on the potential impact of this missense change (SIFT: "Deleterious"; PolyPhen-2: "Benign"; Align-GVGD: "Class C55"). This variant has not been reported in the literature in individuals with DST-related disease. This variant is not present in population databases (ExAC no frequency).